The following is an entry in ClinVar:

NM_001130823.3(DNMT1):c.2914G>A (p.Val972Met)

Gene: DNMT1 (DNA methyltransferase 1; minus strand). Cytogenetic location: 19p13.2.
Variant type: single nucleotide variant.
Coding change: c.2914G>A on transcript NM_001130823.3 (MANE Select); coding-DNA position 2914, G replaced by A.
Protein change: p.Val972Met; replaces valine 972 with methionine.
Molecular consequence: missense variant.
Genome position (GRCh38, 1-based): chr19:10,143,968, C>T on the plus strand (G>A on the coding strand, the complement: DNMT1 is on the minus strand). VCF-style: chr19-10143968-C-T. GRCh37 (hg19) VCF-style: chr19-10254644-C-T.
Other names: c.2914G>A (LRG_362t1, NM_001130823.2); c.2866G>A, p.Val956Met (NM_001318730.2, NM_001379.4); c.2551G>A, p.Val851Met (NM_001318731.2); short protein forms V972M, V956M, V851M.
Identifiers: ClinVar variation 376891 (VCV000376891.23), dbSNP rs148038464, ClinGen allele CA9187895.

ClinVar aggregate classification (germline): Conflicting classifications of pathogenicity. Review status: criteria provided, conflicting classifications (1 of 4 stars). 6 submissions from 6 submitters: Uncertain significance (1); Benign (1); Likely benign (4). Last evaluated 2025-10-31.

Conditions:
DNMT1-related disorder. Also called: DNMT1-related condition. Identifiers: MedGen CN381527.
Inborn genetic diseases. Identifiers: MedGen C0950123, MeSH D030342.
Hereditary sensory neuropathy-deafness-dementia syndrome. Also called: Hereditary Sensory and Autonomic Neuropathy Type 1E (HSAN1E); NEUROPATHY, HEREDITARY SENSORY, WITH HEARING LOSS AND DEMENTIA; Hereditary sensory neuropathy type IE; HSN IE. Identifiers: Orphanet 456318, MedGen C3279885, MONDO:0013584, OMIM 614116.

Allele frequency attached by ClinVar (database versions not stated): gnomAD 0.00007 and 0.00009; TOPMed 0.00008; gnomAD exomes 0.00010 and 0.00011; ExAC 0.00014; ESP Exome Variant Server 0.00015; 1000 Genomes Project 30x 0.00016; 1000 Genomes Project 0.00020.
gnomAD v4.1: 167 of 1,613,894 alleles (0.01%); highest among the groups gnomAD compares: Middle Eastern, 0.017%; no homozygotes.

Submissions (6):

PreventionGenetics, part of Exact Sciences
Classification: Likely benign for DNMT1-related condition. Last evaluated: 2025-10-31. Review status: criteria provided, single submitter. Criteria: ACMG Guidelines, 2015. Collection method: clinical testing. Allele origin: germline.
Comment: This variant is classified as likely benign based on ACMG/AMP sequence variant interpretation guidelines (Richards et al. 2015 PMID: 25741868, with internal and published modifications).

Labcorp Genetics (formerly Invitae), Labcorp
Classification: Likely benign for Hereditary sensory neuropathy-deafness-dementia syndrome. Last evaluated: 2025-07-30. Review status: criteria provided, single submitter. Criteria: Invitae Variant Classification Sherloc (09022015). Collection method: clinical testing. Allele origin: germline.

Women's Health and Genetics/Laboratory Corporation of America, LabCorp
Classification: Likely benign. Last evaluated: 2025-02-17. Review status: criteria provided, single submitter. Criteria: LabCorp Variant Classification Summary - May 2015. Collection method: clinical testing. Allele origin: germline.
Comment: Variant summary: DNMT1 c.2914G>A (p.Val972Met) results in a conservative amino acid change located in the Bromo adjacent homology domain (IPR001025) of the encoded protein sequence. Five of five in-silico tools predict a benign effect of the variant on protein function. The variant allele was found at a frequency of 0.0001 in 251052 control chromosomes. The observed variant frequency is approximately 165.7 fold of the estimated maximal expected allele frequency for a pathogenic variant in DNMT1 causing Autosomal dominant cerebellar ataxia, deafness and narcolepsy phenotype (6.3e-07). c.2914G>A has been reported in the literature in at least one individual affected with amyotrophic lateral sclerosis (e.g., Yang_2024). THowever, these report(s) do not provide unequivocal conclusions about association of the variant with Autosomal dominant cerebellar ataxia, deafness and narcolepsy. To our knowledge, no experimental evidence demonstrating an impact on protein function has been reported. The following publication have been ascertained in the context of this evaluation (PMID: 38907861). ClinVar contains an entry for this variant (Variation ID: 376891). Based on the evidence outlined above, the variant was classified as likely benign.

Ambry Genetics
Classification: Likely benign for Inborn genetic diseases. Last evaluated: 2020-04-13. Review status: criteria provided, single submitter. Criteria: Ambry Variant Classification Scheme 2023. Collection method: clinical testing. Allele origin: germline.

Illumina Laboratory Services, Illumina
Classification: Benign for Hereditary sensory neuropathy-deafness-dementia syndrome. Last evaluated: 2018-03-06. Review status: criteria provided, single submitter. Criteria: ICSL Variant Classification Criteria 13 December 2019. Collection method: clinical testing. Allele origin: germline.
Comment: This variant was observed in the ICSL laboratory as part of a predisposition screen in an ostensibly healthy population. It had not been previously curated by ICSL or reported in the Human Gene Mutation Database (HGMD: prior to June 1st, 2018), and was therefore a candidate for classification through an automated scoring system. Utilizing variant allele frequency, disease prevalence and penetrance estimates, and inheritance mode, an automated score was calculated to assess if this variant is too frequent to cause the disease. Based on the score and internal cut-off values, a variant classified as benign is not then subjected to further curation. The score for this variant resulted in a classification of benign for this disease.

Center for Pediatric Genomic Medicine, Children's Mercy Hospital and Clinics
Classification: Uncertain significance. Last evaluated: 2016-09-13. Review status: criteria provided, single submitter. Criteria: ACMG Guidelines, 2015. Collection method: clinical testing. Allele origin: germline.
ClinVar note: Converted during submission from Uncertain Significance to Uncertain significance.

Literature cited by the submitters: PubMed 38907861 (cited by Women's Health and Genetics/Laboratory Corporation of America, LabCorp).